The following is an entry in ClinVar:

ClinVar aggregate classification (germline): Pathogenic/Likely pathogenic. Review status: criteria provided, multiple submitters, no conflicts (2 of 4 stars). 11 submissions from 11 submitters: Pathogenic (9); Likely pathogenic (1). 1 of the submissions does not count toward it. Last evaluated 2026-01-29.

Conditions:
SRD5A2-related disorder. Also called: SRD5A2-related condition.
Differences in sex development.
3-Oxo-5 alpha-steroid delta 4-dehydrogenase deficiency (PPSH). Also called: PSEUDOVAGINAL PERINEOSCROTAL HYPOSPADIAS; 46,XY disorder of sex development due to 5-alpha-reductase 2 deficiency; FAMILIAL INCOMPLETE MALE PSEUDOHERMAPHRODITISM, TYPE 2; MALE PSEUDOHERMAPHRODITISM DUE TO 5-ALPHA-REDUCTASE DEFICIENCY. Identifiers: Orphanet 753, MedGen C0268297, MONDO:0009923, OMIM 264600. Disease mechanism: loss of function.

Allele frequency attached by ClinVar (database versions not stated): gnomAD exomes below 0.00001.

Submissions (11):

3billion
Classification: Pathogenic for 3-Oxo-5 alpha-steroid delta 4-dehydrogenase deficiency. Last evaluated: 2026-01-29. Review status: criteria provided, single submitter. Criteria: ACMG Guidelines, 2015. Collection method: clinical testing. Allele origin: germline. Affected: yes.
Comment: The variant is observed at an extremely low frequency in the gnomAD v4.1.0 dataset (total allele frequency: <0.001%). Predicted Consequence/Location: Missense variant In silico tool predictions suggest damaging effect of the variant on gene or gene product [3Cnet: 0.88 (> 0.75, sensitivity 0.96 and precision 0.92)]. The same nucleotide change resulting in the same amino acid change has been previously reported as pathogenic/likely pathogenic with strong evidence (ClinVar ID: VCV000003344 /PMID: 8784107). Different missense changes at the same codon (p.Ala228Gly, p.Ala228Val) have been reported as pathogenic/likely pathogenic with strong evidence (ClinVar ID: VCV000459642, VCV002573397 /PMID: 20736251). Therefore, this variant is classified as Pathogenic according to the recommendation of ACMG/AMP guideline.

NHS Central & South Genomic Laboratory Hub
Classification: Pathogenic for Differences in sex development. Last evaluated: 2025-10-21. Review status: criteria provided, single submitter. Criteria: ACMG Guidelines, 2015. Collection method: clinical testing. Allele origin: germline. Affected: yes.

Genomic Medicine Center of Excellence, King Faisal Specialist Hospital and Research Centre
Classification: Likely pathogenic for 3-Oxo-5 alpha-steroid delta 4-dehydrogenase deficiency. Last evaluated: 2024-12-19. Review status: criteria provided, single submitter. Criteria: ACMG Guidelines, 2015. Collection method: clinical testing. Allele origin: germline.

Labcorp Genetics (formerly Invitae), Labcorp
Classification: Pathogenic for 3-Oxo-5 alpha-steroid delta 4-dehydrogenase deficiency. Last evaluated: 2024-01-12. Review status: criteria provided, single submitter. Criteria: Invitae Variant Classification Sherloc (09022015). Collection method: clinical testing. Allele origin: germline.
Comment: This sequence change replaces alanine, which is neutral and non-polar, with threonine, which is neutral and polar, at codon 228 of the SRD5A2 protein (p.Ala228Thr). This variant is not present in population databases (gnomAD no frequency). This missense change has been observed in individual(s) with 5α-reductase-2 deficiency (PMID: 8723114, 8784107, 9843052, 23633205; Invitae). In at least one individual the data is consistent with being in trans (on the opposite chromosome) from a pathogenic variant. ClinVar contains an entry for this variant (Variation ID: 3344). Advanced modeling of protein sequence and biophysical properties (such as structural, functional, and spatial information, amino acid conservation, physicochemical variation, residue mobility, and thermodynamic stability) performed at Invitae indicates that this missense variant is expected to disrupt SRD5A2 protein function with a positive predictive value of 80%. For these reasons, this variant has been classified as Pathogenic.

Blueprint Genetics
Classification: Pathogenic for SRD5A2-related disorders. Last evaluated: 2023-07-27. Review status: criteria provided, single submitter. Criteria: ACMG Guidelines, 2015. Collection method: clinical testing. Allele origin: germline. Affected: yes. Observed: 5 variant alleles.

GeneDx
Classification: Pathogenic. Last evaluated: 2020-11-27. Review status: criteria provided, single submitter. Criteria: GeneDx Variant Classification Process June 2021. Collection method: clinical testing. Allele origin: germline. Affected: yes.
Comment: In silico analysis, which includes protein predictors and evolutionary conservation, supports a deleterious effect; The majority of missense variants in this gene are considered pathogenic (Stenson et al., 2014); Not observed in large population cohorts (Lek et al., 2016); This variant is associated with the following publications: (PMID: 8789759, 8723114, 23633205, 9843052, 8784107, 30269266)

Clinical Genetics and Genomics, Karolinska University Hospital
Classification: Pathogenic. Last evaluated: 2019-07-22. Review status: criteria provided, single submitter. Criteria: ACMG Guidelines, 2015. Collection method: clinical testing. Allele origin: germline. Affected: yes. Observed: 1 variant allele.

Genetic Services Laboratory, University of Chicago
Classification: Pathogenic for 3-Oxo-5 alpha-steroid delta 4-dehydrogenase deficiency. Last evaluated: 2019-05-23. Review status: criteria provided, single submitter. Criteria: ACMG Guidelines, 2015. Collection method: clinical testing. Allele origin: germline. Affected: yes.

Clinical Molecular Genetics Laboratory, Johns Hopkins All Children's Hospital
Classification: Pathogenic for 3-Oxo-5 alpha-steroid delta 4-dehydrogenase deficiency. Last evaluated: 2017-09-08. Review status: criteria provided, single submitter. Criteria: ACMG Guidelines, 2015. Collection method: clinical testing. Allele origin: germline. Affected: yes.

Molecular Diagnostics Laboratory, M Health Fairview: University of Minnesota
Classification: Pathogenic for 3-Oxo-5 alpha-steroid delta 4-dehydrogenase deficiency. Last evaluated: 2016-09-14. Review status: criteria provided, single submitter. Criteria: ACMG Guidelines, 2015. Collection method: clinical testing. Allele origin: germline. Affected: yes. Observed: 1 variant allele.

OMIM
Classification: Pathogenic for PSEUDOVAGINAL PERINEOSCROTAL HYPOSPADIAS. Last evaluated: 1998-11-16. Review status: no assertion criteria provided. Collection method: literature only. Allele origin: germline. Not counted in ClinVar's aggregate classification.

Literature cited by the submitters: PubMed 20736251 (cited by 3billion); PubMed 8784107 (cited by 3billion and Labcorp Genetics (formerly Invitae), Labcorp); PubMed 8723114 (cited by Labcorp Genetics (formerly Invitae), Labcorp and Molecular Diagnostics Laboratory, M Health Fairview: University of Minnesota); PubMed 9843052 (cited by 3 submitters); PubMed 23633205 (cited by Labcorp Genetics (formerly Invitae), Labcorp).

NM_000348.4(SRD5A2):c.682G>A (p.Ala228Thr)

Gene: SRD5A2 (steroid 5 alpha-reductase 2; minus strand). Cytogenetic location: 2p23.1.
Variant type: single nucleotide variant.
Coding change: c.682G>A on transcript NM_000348.4 (MANE Select); coding-DNA position 682, G replaced by A.
Protein change: p.Ala228Thr; replaces alanine 228 with threonine.
Molecular consequence: missense variant.
Genome position (GRCh38, 1-based): chr2:31,529,323, C>T on the plus strand (G>A on the coding strand, the complement: SRD5A2 is on the minus strand). VCF-style: chr2-31529323-C-T. GRCh37 (hg19) VCF-style: chr2-31754393-C-T.
Other names: short protein forms A228T.
Identifiers: ClinVar variation 3344 (VCV000003344.21), dbSNP rs121434249, ClinGen allele CA340077.